The following is an entry in ClinVar:

ClinVar aggregate classification (germline): Uncertain significance. Review status: criteria provided, multiple submitters, no conflicts (2 of 4 stars). 10 submissions from 10 submitters: Uncertain significance (9). 1 of the submissions does not count toward it. Last evaluated 2026-01-26.

Conditions:
SDHC-related disorder. Also called: SDHC-related condition.
Gastrointestinal stromal tumor. Also called: Gastrointestinal stromal tumor, somatic; Gastrointestinal stroma tumor. Identifiers: Orphanet 44890, MedGen C0238198, MeSH D046152, MONDO:0011719, OMIM 606764, HP:0100723.
Pheochromocytoma/paraganglioma syndrome 3. Also called: SDHC-Related Hereditary Paraganglioma-Pheochromocytoma Syndrome; Paragangliomas 3; SDHC-Related Hereditary Paraganglioma-Pheochromocytoma Syndrome (Paragangliomas 3); GLOMUS TUMORS, FAMILIAL, 3. Identifiers: Orphanet 29072, MedGen C1854336, MONDO:0011544, OMIM 605373.
Hereditary cancer-predisposing syndrome. Also called: Tumor predisposition; Neoplastic Syndromes, Hereditary; Hereditary neoplastic syndrome; Hereditary Cancer Syndrome. Identifiers: Orphanet 140162, MedGen C0027672, MeSH D009386, MONDO:0015356.
Hereditary pheochromocytoma and paraganglioma. Also called: Hereditary Paraganglioma-Pheochromocytoma Syndromes; Hereditary paragangliomas and pheochromocytomas; Hereditary pheochromocytoma-paraganglioma. Identifiers: Orphanet 29072, MedGen C4274332, MONDO:0017366.
Pheochromocytoma. Also called: MAX-Related Hereditary Paraganglioma-Pheochromocytoma Syndrome. Identifiers: Orphanet 29072, MedGen C0031511, MONDO:0008233, OMIM 171300, HP:0002666.

Allele frequency attached by ClinVar (database versions not stated): gnomAD 0.00001; ExAC 0.00002; TOPMed 0.00002; ESP Exome Variant Server 0.00008.
gnomAD v4.1: 34 of 1,613,216 alleles (0.0021%); highest among the groups gnomAD compares: African/African-American, 0.0027%; no homozygotes.

Submissions (10):

Labcorp Genetics (formerly Invitae), Labcorp
Classification: Uncertain significance for Pheochromocytoma/paraganglioma syndrome 3; Gastrointestinal stromal tumor. Last evaluated: 2026-01-26. Review status: criteria provided, single submitter. Criteria: Invitae Variant Classification Sherloc (09022015). Collection method: clinical testing. Allele origin: germline.
Comment: This sequence change replaces alanine, which is neutral and non-polar, with valine, which is neutral and non-polar, at codon 3 of the SDHC protein (p.Ala3Val). This variant is present in population databases (rs142139022, gnomAD 0.004%). This missense change has been observed in individual(s) with sporadic pheochromocytoma (PMID: 22517554). ClinVar contains an entry for this variant (Variation ID: 161387). An algorithm developed to predict the effect of missense changes on protein structure and function (PolyPhen-2) suggests that this variant is likely to be tolerated. In summary, the available evidence is currently insufficient to determine the role of this variant in disease. Therefore, it has been classified as a Variant of Uncertain Significance.

PreventionGenetics, part of Exact Sciences
Classification: Uncertain significance for SDHC-related condition. Last evaluated: 2025-11-05. Review status: criteria provided, single submitter. Criteria: ACMG Guidelines, 2015. Collection method: clinical testing. Allele origin: germline.
Comment: The SDHC c.8C>T variant is predicted to result in the amino acid substitution p.Ala3Val. This variant has been reported in an individual with sporadic phaeochromocytoma (Lefebvre et al. 2012. PubMed ID: 22517554) and has been reported as an uncertain incidental finding in an individual who was part of the NHBLI Exome Sequencing Project (ESP) (Supplementary Table 1, Amendola et al. 2015. PubMed ID: 25637381). This variant is reported in 0.0044% of alleles in individuals of European (Non-Finnish) descent in gnomAD and is interpreted as uncertain in ClinVar (Variation ID: 161387). At this time, the clinical significance of this variant is uncertain due to the absence of conclusive functional and genetic evidence.

Ambry Genetics
Classification: Uncertain significance for Hereditary cancer-predisposing syndrome. Last evaluated: 2025-07-15. Review status: criteria provided, single submitter. Criteria: Ambry Variant Classification Scheme 2023. Collection method: clinical testing. Allele origin: germline.
Comment: The p.A3V variant (also known as c.8C>T), located in coding exon 1 of the SDHC gene, results from a C to T substitution at nucleotide position 8. The alanine at codon 3 is replaced by valine, an amino acid with similar properties. This amino acid position is highly conserved in available vertebrate species. In addition, this variant is predicted to be deleterious by in silico analysis. Based on the available evidence, the clinical significance of this variant remains unclear.

Color Diagnostics, LLC DBA Color Health
Classification: Uncertain significance for Hereditary pheochromocytoma and paraganglioma. Last evaluated: 2025-06-02. Review status: criteria provided, single submitter. Criteria: ACMG Guidelines, 2015. Collection method: clinical testing. Allele origin: germline.
Comment: This missense variant replaces alanine with valine at codon 3 of the SDHC protein. Computational prediction is inconclusive regarding the impact of this variant on protein structure and function. To our knowledge, functional studies have not been reported for this variant. This variant has been reported in individuals affected with hereditary pheochromocytoma (PMID: 22517554). This variant has been identified in 5/251188 chromosomes in the general population by the Genome Aggregation Database (gnomAD). The available evidence is insufficient to determine the role of this variant in disease conclusively. Therefore, this variant is classified as a Variant of Uncertain Significance.

Center for Genomic Medicine, Rigshospitalet, Copenhagen University Hospital
Classification: Uncertain significance. Last evaluated: 2025-03-04. Review status: criteria provided, single submitter. Criteria: ACMG Guidelines, 2015. Collection method: clinical testing. Allele origin: germline.

CeGaT Center for Human Genetics Tuebingen
Classification: Uncertain significance. Last evaluated: 2025-01-01. Review status: criteria provided, single submitter. Criteria: CeGaT Center For Human Genetics Tuebingen Variant Classification Criteria Version 2. Collection method: clinical testing. Allele origin: germline. Affected: yes. Observed: 1 variant allele.

All of Us Research Program, National Institutes of Health
Classification: Uncertain significance for Hereditary pheochromocytoma and paraganglioma. Last evaluated: 2024-03-05. Review status: criteria provided, single submitter. Criteria: ACMG Guidelines, 2015. Collection method: clinical testing. Allele origin: germline. Inheritance: Autosomal dominant inheritance. Observed: 6 variant alleles, 6 heterozygotes.
Comment: This missense variant replaces alanine with valine at codon 3 of the SDHC protein. Computational prediction is inconclusive regarding the impact of this variant on protein structure and function (internally defined REVEL score threshold 0.5 < inconclusive < 0.7, PMID: 27666373). To our knowledge, functional studies have not been reported for this variant. This variant has been reported in individuals affected with hereditary pheochromocytoma (PMID: 22517554). This variant has been identified in 5/251188 chromosomes in the general population by the Genome Aggregation Database (gnomAD). The available evidence is insufficient to determine the role of this variant in disease conclusively. Therefore, this variant is classified as a Variant of Uncertain Significance.

This study involves interpretation of variants in research participants for the purpose of population health screening. Participant phenotype was not available at the time of variant classification. Additional details can be found in publication PMID: 35346344, PMCID: PMC8962531

Baylor Genetics
Classification: Uncertain significance for Gastrointestinal stromal tumor. Last evaluated: 2024-02-28. Review status: criteria provided, single submitter. Criteria: ACMG Guidelines, 2015. Collection method: clinical testing. Allele origin: unknown.

GeneDx
Classification: Uncertain significance. Last evaluated: 2022-11-09. Review status: criteria provided, single submitter. Criteria: GeneDx Variant Classification Process June 2021. Collection method: clinical testing. Allele origin: germline. Affected: yes.
Comment: Not observed at significant frequency in large population cohorts (gnomAD); In silico analysis supports that this missense variant has a deleterious effect on protein structure/function; Observed in an individual with pheochromocytoma (Lefebvre et al., 2012); This variant is associated with the following publications: (PMID: 25637381, 31854063, 22517554)

CSER _CC_NCGL, University of Washington
Classification: Uncertain significance for Phaeochromocytoma. Last evaluated: 2014-06-01. Review status: no assertion criteria provided. Collection method: research. Allele origin: germline. Inheritance: Autosomal dominant inheritance. Study: ESP 6500 variant annotation. Not counted in ClinVar's aggregate classification.
Comment: Variants classified for the Actionable exomic incidental findings in 6503 participants: challenges of variant classification manuscript

Literature cited by the submitters: PubMed 22517554 (cited by 5 submitters).

NM_003001.5(SDHC):c.8C>T (p.Ala3Val)

Gene: SDHC (succinate dehydrogenase complex subunit C; plus strand). Cytogenetic location: 1q23.3.
Variant type: single nucleotide variant.
Coding change: c.8C>T on transcript NM_003001.5 (MANE Select); coding-DNA position 8, C replaced by T.
Protein change: p.Ala3Val; replaces alanine 3 with valine.
Molecular consequence: missense variant.
Genome position (GRCh38, 1-based): chr1:161,314,413, C>T. VCF-style: chr1-161314413-C-T. GRCh37 (hg19) VCF-style: chr1-161284203-C-T.
Other names: c.8C>T, p.Ala3Val (NM_001035511.3, NM_001035512.3, NM_001035513.3 and 6 more transcripts); c.-553C>T (NM_001407119.1); c.-222C>T (NM_001407120.1); short protein forms A3V.
Identifiers: ClinVar variation 161387 (VCV000161387.52), dbSNP rs142139022, ClinGen allele CA011497.
Genomic context (GRCh38, chr1:161,314,413, plus strand): 5'-CCCTCGGGTGGCGGGGCCGCCTGGCGTCACTTCCGTCCAGACCGGAACCCAAGATGGCTG[C>T]GCTGTTGCTGAGGTGACTTCAGTGGGACTGGGAGTTGGTGCCTGCGGCCCTCCGGAGATC-3'
Protein context (NP_002992.1, residues 1-13): MA[Ala3Val]LLLRHVGRHC